The following is an entry in ClinVar:

ClinVar aggregate classification (germline): Benign/Likely benign. Review status: criteria provided, multiple submitters, no conflicts (2 of 4 stars). 5 submissions from 5 submitters: Benign (3); Likely benign (2). Last evaluated 2025-12-16.

Conditions:
Spastic paraplegia. Identifiers: MedGen C0037772, HP:0001258.
Hereditary spastic paraplegia. Also called: Familial spastic paraparesis. Identifiers: Orphanet 685, MedGen C0037773, MONDO:0019064. Disease mechanism: loss of function.

Allele frequency attached by ClinVar (database versions not stated): ExAC 0.00150; gnomAD 0.00437 and 0.00458; ESP Exome Variant Server 0.00477; TOPMed 0.00490; 1000 Genomes Project 30x 0.00687; 1000 Genomes Project 0.00739; gnomAD exomes 0.00039 and 0.00120.
gnomAD v4.1: 1,241 of 1,593,736 alleles (0.078%); highest among the groups gnomAD compares: African/African-American, 1.5%; 18 homozygotes.

Submissions (5):

Labcorp Genetics (formerly Invitae), Labcorp
Classification: Benign for Spastic paraplegia. Last evaluated: 2025-12-16. Review status: criteria provided, single submitter. Criteria: Invitae Variant Classification Sherloc (09022015). Collection method: clinical testing. Allele origin: germline.

CeGaT Center for Human Genetics Tuebingen
Classification: Benign. Last evaluated: 2024-12-01. Review status: criteria provided, single submitter. Criteria: CeGaT Center For Human Genetics Tuebingen Variant Classification Criteria Version 2. Collection method: clinical testing. Allele origin: germline. Affected: yes. Observed: 1 variant allele.
Comment: SLC33A1: BP4, BS1, BS2

Genome Diagnostics Laboratory, The Hospital for Sick Children
Classification: Likely benign for Hereditary spastic paraplegia. Last evaluated: 2019-05-01. Review status: criteria provided, single submitter. Criteria: ACMG Guidelines, 2015. Collection method: clinical testing. Allele origin: germline. Affected: yes.

GeneDx
Classification: Likely benign. Last evaluated: 2018-10-02. Review status: criteria provided, single submitter. Criteria: GeneDx Variant Classification Process June 2021. Collection method: clinical testing. Allele origin: germline. Affected: yes.

Athena Diagnostics
Classification: Benign. Last evaluated: 2018-04-02. Review status: criteria provided, single submitter. Criteria: Athena Diagnostics Criteria. Collection method: clinical testing. Allele origin: germline.

NM_004733.4(SLC33A1):c.1482+7A>G

Gene: SLC33A1 (solute carrier family 33 member 1; minus strand). Cytogenetic location: 3q25.31.
Variant type: single nucleotide variant.
Coding change: c.1482+7A>G on transcript NM_004733.4 (MANE Select); 7 bases into the intron after coding-DNA position 1482, A replaced by G.
Molecular consequence: intron variant.
Genome position (GRCh38, 1-based): chr3:155,829,681, T>C on the plus strand (A>G on the coding strand, the complement: SLC33A1 is on the minus strand). VCF-style: chr3-155829681-T-C. GRCh37 (hg19) VCF-style: chr3-155547470-T-C.
Other names: c.1482+7A>G (NM_001190992.2); c.1176+7A>G (NM_001363883.1).
Identifiers: ClinVar variation 416702 (VCV000416702.30), dbSNP rs149522913, ClinGen allele CA2677236.